The following is an entry in ClinVar:

NM_005257.6(GATA6):c.1720C>G (p.Leu574Val)

Gene: GATA6 (GATA binding protein 6; plus strand). Cytogenetic location: 18q11.2.
Variant type: single nucleotide variant.
Coding change: c.1720C>G on transcript NM_005257.6 (MANE Select); coding-DNA position 1720, C replaced by G.
Protein change: p.Leu574Val; replaces leucine 574 with valine.
Molecular consequence: missense variant.
Genome position (GRCh38, 1-based): chr18:22,200,755, C>G. VCF-style: chr18-22200755-C-G. GRCh37 (hg19) VCF-style: chr18-19780718-C-G.
Other names: short protein forms L574V.
Identifiers: ClinVar variation 3689208 (VCV003689208.2).

ClinVar aggregate classification (germline): Uncertain significance (1 of 4 stars; one submission).

Conditions:
Atrioventricular septal defect 5 (AVSD5). Identifiers: MedGen C3280939, MONDO:0013769, OMIM 614474.

Submission:

Labcorp Genetics (formerly Invitae), Labcorp
Classification: Uncertain significance for Atrioventricular septal defect 5. Last evaluated: 2024-02-22. Review status: criteria provided, single submitter. Criteria: Invitae Variant Classification Sherloc (09022015). Collection method: clinical testing. Allele origin: germline.
Comment: This sequence change replaces leucine, which is neutral and non-polar, with valine, which is neutral and non-polar, at codon 574 of the GATA6 protein (p.Leu574Val). This variant is not present in population databases (gnomAD no frequency). This variant has not been reported in the literature in individuals affected with GATA6-related conditions. An algorithm developed to predict the effect of missense changes on protein structure and function (PolyPhen-2) suggests that this variant is likely to be disruptive. In summary, the available evidence is currently insufficient to determine the role of this variant in disease. Therefore, it has been classified as a Variant of Uncertain Significance.